The following is an entry in ClinVar:

NM_000238.4(KCNH2):c.2661C>T (p.Arg887=)

Gene: KCNH2 (potassium voltage-gated channel subfamily H member 2; minus strand). Cytogenetic location: 7q36.1.
Variant type: single nucleotide variant.
Coding change: c.2661C>T on transcript NM_000238.4 (MANE Select); coding-DNA position 2661, C replaced by T.
Protein change: p.Arg887=; no amino-acid change (arginine 887 retained).
Molecular consequence: synonymous variant. On other transcripts: non-coding transcript variant (2).
Genome position (GRCh38, 1-based): chr7:150,948,475, G>A on the plus strand (C>T on the coding strand, the complement: KCNH2 is on the minus strand). VCF-style: chr7-150948475-G-A. GRCh37 (hg19) VCF-style: chr7-150645563-G-A.
Other names: c.2373C>T, p.Arg791= (NM_001406753.1); c.1641C>T, p.Arg547= (NM_172057.3).
Identifiers: ClinVar variation 2773431 (VCV002773431.2), dbSNP rs1801006688, ClinGen allele CA458644984.

ClinVar aggregate classification (germline): Uncertain significance (1 of 4 stars; one submission).

Conditions:
Cardiac arrhythmia. Also called: Arrhythmia; Cardiac rhythm disease. Identifiers: MedGen C0003811, MONDO:0007263, HP:0011675.

Submission:

Color Diagnostics, LLC DBA Color Health
Classification: Uncertain significance for Cardiac arrhythmia. Last evaluated: 2023-12-04. Review status: criteria provided, single submitter. Criteria: ACMG Guidelines, 2015. Collection method: clinical testing. Allele origin: germline.
Comment: This synonymous variant does not change the amino acid sequence of the KCNH2 protein. Splice site prediction tools suggest that this variant may impact RNA splicing. To our knowledge, functional studies have not been reported for this variant. This variant has not been reported in individuals affected with KCNH2-related disorders in the literature. This variant has not been identified in the general population by the Genome Aggregation Database (gnomAD). The available evidence is insufficient to determine the role of this variant in disease conclusively. Therefore, this variant is classified as a Variant of Uncertain Significance.